The following is an entry in ClinVar:

NM_014915.3(ANKRD26):c.3839C>G (p.Ala1280Gly)

Gene: ANKRD26 (ankyrin repeat domain 26; minus strand). Cytogenetic location: 10p12.1.
Variant type: single nucleotide variant.
Coding change: c.3839C>G on transcript NM_014915.3 (MANE Select); coding-DNA position 3839, C replaced by G.
Protein change: p.Ala1280Gly; replaces alanine 1280 with glycine.
Molecular consequence: missense variant.
Genome position (GRCh38, 1-based): chr10:27,029,325, G>C on the plus strand (C>G on the coding strand, the complement: ANKRD26 is on the minus strand). VCF-style: chr10-27029325-G-C. GRCh37 (hg19) VCF-style: chr10-27318254-G-C.
Other names: c.3836C>G, p.Ala1279Gly (NM_001256053.2); short protein forms A1279G, A1280G.
Identifiers: ClinVar variation 3715904 (VCV003715904.3).
Genomic context (GRCh38, chr10:27,029,325, plus strand): 5'-GTGTGCTGCTTTAAATTTTACTTTTGCTTGTGATCTTGCATCTTCTCAGCACATCTGACA[G>C]CTTCTGTATGTCGATCCTGTGCTTCTTGCAACTAAAACAAAGAATAAAAAAAACCCACTT-3'
Protein context (NP_055730.2, residues 1270-1290): LQEAQDRHTE[Ala1280Gly]VRCAEKMQDH

ClinVar aggregate classification (germline): Uncertain significance (1 of 4 stars; one submission).

Submissions (2):

Labcorp Genetics (formerly Invitae), Labcorp
Classification: Uncertain significance. Last evaluated: 2024-11-24. Review status: criteria provided, single submitter. Criteria: Invitae Variant Classification Sherloc (09022015). Collection method: clinical testing. Allele origin: germline.
Comment: This sequence change replaces alanine, which is neutral and non-polar, with glycine, which is neutral and non-polar, at codon 1280 of the ANKRD26 protein (p.Ala1280Gly). This variant is not present in population databases (gnomAD no frequency). This variant has not been reported in the literature in individuals affected with ANKRD26-related conditions. An algorithm developed to predict the effect of missense changes on protein structure and function (PolyPhen-2) suggests that this variant is likely to be disruptive. In summary, the available evidence is currently insufficient to determine the role of this variant in disease. Therefore, it has been classified as a Variant of Uncertain Significance.

Dr. Peter K. Rogan Lab, Western University
No classification provided (evidence only). Condition: Malignant tumor of urinary bladder. Review status: no classification provided. Collection method: in vitro. Allele origin: not applicable. Functional consequence: skipped exon. Not counted in ClinVar's aggregate classification.